The following is an entry in ClinVar:

ClinVar aggregate classification (germline): Uncertain significance. Review status: criteria provided, multiple submitters, no conflicts (2 of 4 stars). 2 submissions from 2 submitters: Uncertain significance (2). Last evaluated 2022-04-20.

Conditions:
Hypotonia, infantile, with psychomotor retardation and characteristic facies 3 (IHPRF3). Also called: TBCK-Related Neurodevelopmental Disorder. Identifiers: Orphanet 488632, MedGen C5567480, MONDO:0014823, OMIM 616900.

Allele frequency attached by ClinVar (database versions not stated): gnomAD exomes below 0.00001; ExAC 0.00001.
gnomAD v4.1: 5 of 1,598,832 alleles (0.00031%); highest among the groups gnomAD compares: Non-Finnish European, 0.00043%; no homozygotes.

Submissions (2):

Labcorp Genetics (formerly Invitae), Labcorp
Classification: Uncertain significance. Last evaluated: 2022-04-20. Review status: criteria provided, single submitter. Criteria: Invitae Variant Classification Sherloc (09022015). Collection method: clinical testing. Allele origin: germline.
Comment: This sequence change replaces leucine, which is neutral and non-polar, with isoleucine, which is neutral and non-polar, at codon 388 of the TBCK protein (p.Leu388Ile). This variant is present in population databases (rs773606670, gnomAD 0.0009%). This variant has not been reported in the literature in individuals affected with TBCK-related conditions. ClinVar contains an entry for this variant (Variation ID: 1033749). Algorithms developed to predict the effect of missense changes on protein structure and function are either unavailable or do not agree on the potential impact of this missense change (SIFT: "Tolerated"; PolyPhen-2: "Probably Damaging"; Align-GVGD: "Class C0"). In summary, the available evidence is currently insufficient to determine the role of this variant in disease. Therefore, it has been classified as a Variant of Uncertain Significance.

Baylor Genetics
Classification: Uncertain significance for Hypotonia, infantile, with psychomotor retardation and characteristic facies 3. Last evaluated: 2018-03-22. Review status: criteria provided, single submitter. Criteria: ACMG Guidelines, 2015. Collection method: clinical testing. Allele origin: paternal. Affected: yes.
Comment: This variant was determined to be of uncertain significance according to ACMG Guidelines, 2015 [PMID:25741868].

NM_001163435.3(TBCK):c.1162C>A (p.Leu388Ile)

Gene: TBCK (TBC1 domain containing kinase; minus strand). Cytogenetic location: 4q24.
Variant type: single nucleotide variant.
Coding change: c.1162C>A on transcript NM_001163435.3 (MANE Select); coding-DNA position 1162, C replaced by A.
Protein change: p.Leu388Ile; replaces leucine 388 with isoleucine.
Molecular consequence: missense variant.
Genome position (GRCh38, 1-based): chr4:106,242,478, G>T on the plus strand (C>A on the coding strand, the complement: TBCK is on the minus strand). VCF-style: chr4-106242478-G-T. GRCh37 (hg19) VCF-style: chr4-107163635-G-T.
Other names: c.1162C>A, p.Leu388Ile (NM_001163436.4); c.1045C>A, p.Leu349Ile (NM_001163437.3); c.646C>A, p.Leu216Ile (NM_001290768.2); c.973C>A, p.Leu325Ile (NM_033115.5); short protein forms L388I, L216I, L325I, L349I.
Identifiers: ClinVar variation 1033749 (VCV001033749.3), dbSNP rs773606670, ClinGen allele CA3035172.